The following is an entry in ClinVar:

ClinVar aggregate classification (germline): Uncertain significance. Review status: criteria provided, multiple submitters, no conflicts (2 of 4 stars). 2 submissions from 2 submitters: Uncertain significance (2). Last evaluated 2024-05-07.

Conditions:
Inborn genetic diseases. Identifiers: MedGen C0950123, MeSH D030342.

Allele frequency attached by ClinVar (database versions not stated): gnomAD exomes below 0.00001; TOPMed below 0.00001.
gnomAD v4.1: 4 of 1,613,644 alleles (0.00025%); highest among the groups gnomAD compares: Non-Finnish European, 0.00034%; no homozygotes.

Submissions (2):

GeneDx
Classification: Uncertain significance. Last evaluated: 2024-05-07. Review status: criteria provided, single submitter. Criteria: GeneDx Variant Classification Process June 2021. Collection method: clinical testing. Allele origin: germline. Affected: yes.
Comment: Not observed at significant frequency in large population cohorts (gnomAD); In silico analysis supports that this missense variant has a deleterious effect on protein structure/function; Has not been previously published as pathogenic or benign to our knowledge

Ambry Genetics
Classification: Uncertain significance for Inborn genetic diseases. Last evaluated: 2023-05-30. Review status: criteria provided, single submitter. Criteria: Ambry Variant Classification Scheme 2023. Collection method: clinical testing. Allele origin: germline.

NM_001375808.2(LPIN2):c.289G>A (p.Glu97Lys)

Gene: LPIN2 (lipin 2; minus strand). Cytogenetic location: 18p11.31.
Variant type: single nucleotide variant.
Coding change: c.289G>A on transcript NM_001375808.2 (MANE Select); coding-DNA position 289, G replaced by A.
Protein change: p.Glu97Lys; replaces glutamic acid 97 with lysine.
Molecular consequence: missense variant.
Genome position (GRCh38, 1-based): chr18:2,951,356, C>T on the plus strand (G>A on the coding strand, the complement: LPIN2 is on the minus strand). VCF-style: chr18-2951356-C-T. GRCh37 (hg19) VCF-style: chr18-2951354-C-T.
Other names: c.289G>A, p.Glu97Lys (NM_001375809.1, NM_014646.2); short protein forms E97K.
Identifiers: ClinVar variation 2552944 (VCV002552944.3), dbSNP rs2077534512, ClinGen allele CA401709404.
Genomic context (GRCh38, chr18:2,951,356, plus strand): 5'-CTTTAAAGAACTGATCTTCAGTAGGAATTGGTGAGGTGGCAAGGTAAGCAGGAAGCTTTT[C>T]CTTGAGGAGAATGGAGAAAGAAAAGTTATCCATGACAAACTCGACAGTGAATTAAAGCAG-3'
Protein context (NP_001362737.1, residues 87-107): FFVEETEEEY[Glu97Lys]KLPAYLATSP